The following is an entry in ClinVar:

NM_001852.4(COL9A2):c.1915G>A (p.Asp639Asn)

Gene: COL9A2 (collagen type IX alpha 2 chain; minus strand). Cytogenetic location: 1p34.2.
Variant type: single nucleotide variant.
Coding change: c.1915G>A on transcript NM_001852.4 (MANE Select); coding-DNA position 1915, G replaced by A.
Protein change: p.Asp639Asn; replaces aspartic acid 639 with asparagine.
Molecular consequence: missense variant.
Genome position (GRCh38, 1-based): chr1:40,301,337, C>T on the plus strand (G>A on the coding strand, the complement: COL9A2 is on the minus strand). VCF-style: chr1-40301337-C-T. GRCh37 (hg19) VCF-style: chr1-40767009-C-T.
Other names: c.1915G>A (NM_001852.3); short protein forms D639N.
Identifiers: ClinVar variation 2195665 (VCV002195665.6), dbSNP rs1190708241, ClinGen allele CA339874235.

ClinVar aggregate classification (germline): Uncertain significance. Review status: criteria provided, multiple submitters, no conflicts (2 of 4 stars). 3 submissions from 3 submitters: Uncertain significance (3). Last evaluated 2025-11-27.

Conditions:
Inborn genetic diseases. Identifiers: MedGen C0950123, MeSH D030342.

Allele frequency attached by ClinVar (database versions not stated): TOPMed 0.00001; gnomAD exomes 0.00002.
gnomAD v4.1: 23 of 1,610,162 alleles (0.0014%); highest among the groups gnomAD compares: Non-Finnish European, 0.002%; no homozygotes.

Submissions (3):

Labcorp Genetics (formerly Invitae), Labcorp
Classification: Uncertain significance. Last evaluated: 2025-11-27. Review status: criteria provided, single submitter. Criteria: Invitae Variant Classification Sherloc (09022015). Collection method: clinical testing. Allele origin: germline.
Comment: This sequence change replaces aspartic acid, which is acidic and polar, with asparagine, which is neutral and polar, at codon 639 of the COL9A2 protein (p.Asp639Asn). This variant is not present in population databases (gnomAD no frequency). This variant has not been reported in the literature in individuals affected with COL9A2-related conditions. ClinVar contains an entry for this variant (Variation ID: 2195665). Invitae Evidence Modeling of protein sequence and biophysical properties (such as structural, functional, and spatial information, amino acid conservation, physicochemical variation, residue mobility, and thermodynamic stability) indicates that this missense variant is not expected to disrupt COL9A2 protein function with a negative predictive value of 95%. In summary, the available evidence is currently insufficient to determine the role of this variant in disease. Therefore, it has been classified as a Variant of Uncertain Significance.

Ambry Genetics
Classification: Uncertain significance for Inborn genetic diseases. Last evaluated: 2025-06-07. Review status: criteria provided, single submitter. Criteria: Ambry Variant Classification Scheme 2023. Collection method: clinical testing. Allele origin: germline.

GeneDx
Classification: Uncertain significance. Last evaluated: 2024-05-15. Review status: criteria provided, single submitter. Criteria: GeneDx Variant Classification Process June 2021. Collection method: clinical testing. Allele origin: germline. Affected: yes.
Comment: Not observed at significant frequency in large population cohorts (gnomAD); In silico analysis indicates that this missense variant does not alter protein structure/function; Has not been previously published as pathogenic or benign to our knowledge